The following is an entry in ClinVar:

NM_000537.4(REN):c.1220G>T (p.Ter407Leu)

Gene: REN (renin; minus strand). Cytogenetic location: 1q32.1.
Variant type: single nucleotide variant.
Coding change: c.1220G>T on transcript NM_000537.4 (MANE Select); coding-DNA position 1220, G replaced by T.
Protein change: p.Ter407Leu.
Molecular consequence: stop lost.
Genome position (GRCh38, 1-based): chr1:204,155,017, C>A on the plus strand (G>T on the coding strand, the complement: REN is on the minus strand). VCF-style: chr1-204155017-C-A. GRCh37 (hg19) VCF-style: chr1-204124145-C-A.
Identifiers: ClinVar variation 1049731 (VCV001049731.6), dbSNP rs200760827, ClinGen allele CA1344624.

ClinVar aggregate classification (germline): Uncertain significance. Review status: criteria provided, multiple submitters, no conflicts (2 of 4 stars). 4 submissions from 4 submitters: Uncertain significance (3). 1 of the submissions does not count toward it. Last evaluated 2025-06-12.

Conditions:
Familial juvenile hyperuricemic nephropathy type 2 (ADTKD4). Also called: EARLY-ONSET HYPERURICEMIA, ANEMIA, AND PROGRESSIVE KIDNEY FAILURE; Autosomal Dominant Tubulointerstitial Kidney Disease – REN. Identifiers: Orphanet 217330, MedGen C2751310, MONDO:0013128, OMIM 613092.
Renal tubular dysgenesis of genetic origin. Also called: PRIMITIVE RENAL TUBULE SYNDROME. Identifiers: Orphanet 97369, MedGen C5681536, MONDO:0009970, OMIM 267430.

Allele frequency attached by ClinVar (database versions not stated): TOPMed 0.00004; 1000 Genomes Project 30x 0.00031.
gnomAD v4.1: 16 of 1,613,846 alleles (0.00099%); highest among the groups gnomAD compares: African/African-American, 0.016%; no homozygotes.

Submissions (4):

Labcorp Genetics (formerly Invitae), Labcorp
Classification: Uncertain significance. Last evaluated: 2025-06-12. Review status: criteria provided, single submitter. Criteria: Invitae Variant Classification Sherloc (09022015). Collection method: clinical testing. Allele origin: germline.
Comment: This sequence change disrupts the translational stop signal of the REN mRNA. It is expected to extend the length of the REN protein by 21 additional amino acid residues. This variant is present in population databases (rs200760827, gnomAD 0.02%). This variant has not been reported in the literature in individuals affected with REN-related conditions. ClinVar contains an entry for this variant (Variation ID: 1049731). Experimental studies and prediction algorithms are not available or were not evaluated, and the functional significance of this variant is currently unknown. In summary, the available evidence is currently insufficient to determine the role of this variant in disease. Therefore, it has been classified as a Variant of Uncertain Significance.

Fulgent Genetics
Classification: Uncertain significance for Renal tubular dysgenesis of genetic origin; Familial juvenile hyperuricemic nephropathy type 2. Last evaluated: 2024-02-21. Review status: criteria provided, single submitter. Criteria: ACMG Guidelines, 2015. Collection method: clinical testing. Allele origin: germline.

GeneDx
Classification: Uncertain significance. Last evaluated: 2022-04-22. Review status: criteria provided, single submitter. Criteria: GeneDx Variant Classification Process June 2021. Collection method: clinical testing. Allele origin: germline. Affected: yes.
Comment: Normal stop codon changed to a Leu codon, leading to the addition of 21 amino acids at the C-terminus.; Has not been previously published as pathogenic or benign to our knowledge

Department of Pathology and Laboratory Medicine, Sinai Health System
Classification: Uncertain significance. Review status: no assertion criteria provided. Collection method: clinical testing. Allele origin: unknown. Affected: yes. Study: The Canadian Open Genetics Repository (COGR). Not counted in ClinVar's aggregate classification.
Comment: The REN p.*407Leuext*21 variant was not identified in the literature nor was it identified in ClinVar, Cosmic or LOVD 3.0. The variant was identified in dbSNP (ID: rs200760827) and in 5 of 281040 chromosomes at a frequency of 0.000018 (Genome Aggregation Database Feb 27, 2017). The variant was observed in the African population in 5 of 24918 chromosomes (freq: 0.000201), while the variant was not observed in the Latino, Ashkenazi Jewish, East Asian, European (Finnish), European (non-Finnish), Other or South Asian populations. The variant occurs outside of the splicing consensus sequence however 4 of 4 in silico or computational prediction software programs (SpliceSiteFinder, MaxEntScan, NNSPLICE, GeneSplicer) predict the creation of a new 3' splice site. However, this information is not predictive enough to assume pathogenicity. In summary, based on the above information the clinical significance of this variant cannot be determined with certainty at this time. This variant is classified as a variant of uncertain significance.